The following is an entry in ClinVar:

NM_022114.4(PRDM16):c.2114del (p.Gly705fs)

Gene: PRDM16 (PR/SET domain 16; plus strand). Cytogenetic location: 1p36.32.
Variant type: Deletion.
Coding change: c.2114del on transcript NM_022114.4 (MANE Select); coding-DNA position 2114, one base deleted (G; older notation c.2114delG).
Protein change: p.Gly705fs; shifts the reading frame from glycine 705.
Molecular consequence: frameshift variant.
Genome position (GRCh38, 1-based): chr1:3,412,311, G deleted; the last of 2 consecutive G bases (chr1:3,412,310-3,412,311); deleting either gives the same sequence. VCF-style (leftmost placement, unchanged base first): chr1-3412309-TG-T. GRCh37 (hg19) VCF-style: chr1-3328873-TG-T.
Other names: c.2114del, p.Gly705fs (NM_199454.3); short protein forms G705fs.
Identifiers: ClinVar variation 850060 (VCV000850060.8), dbSNP rs1643705557, ClinGen allele CA916081989.

ClinVar aggregate classification (germline): Uncertain significance (1 of 4 stars; one submission).

Conditions:
Left ventricular noncompaction 8 (LVNC8). Identifiers: Orphanet 154, Orphanet 54260, MedGen C3809288, MONDO:0014152, OMIM 615373.

Submission:

Labcorp Genetics (formerly Invitae), Labcorp
Classification: Uncertain significance for Left ventricular noncompaction 8. Last evaluated: 2019-12-11. Review status: criteria provided, single submitter. Criteria: Invitae Variant Classification Sherloc (09022015). Collection method: clinical testing. Allele origin: germline.
Comment: In summary, the available evidence is currently insufficient to determine the role of this variant in disease. Therefore, it has been classified as a Variant of Uncertain Significance. The current clinical and genetic evidence is not sufficient to establish whether loss-of-function variants in PRDM16 cause disease. This variant has not been reported in the literature in individuals with PRDM16-related conditions. This variant is not present in population databases (ExAC no frequency). This sequence change creates a premature translational stop signal (p.Gly705Alafs*78) in the PRDM16 gene. It is expected to result in an absent or disrupted protein product.